The following is an entry in ClinVar:

NM_001369.3(DNAH5):c.2349dup (p.Ala784fs)

Genes: DNAH5 (dynein axonemal heavy chain 5; minus strand), DNAH5-AS1 (DNAH5 antisense RNA 1; plus strand). Cytogenetic location: 5p15.2.
Variant type: Duplication.
Coding change: c.2349dup on transcript NM_001369.3 (MANE Select); coding-DNA position 2349, one base duplicated (A; older notation c.2349dupA).
Protein change: p.Ala784fs; shifts the reading frame from alanine 784.
Molecular consequence: frameshift variant.
Genome position (GRCh38, 1-based): chr5:13,894,732, T duplicated on the plus strand (A on the coding strand, the reverse complement: DNAH5 is on the minus strand); the first of 2 consecutive T bases (chr5:13,894,732-13,894,733); duplicating either gives the same sequence. VCF-style (leftmost placement, unchanged base first): chr5-13894731-C-CT. GRCh37 (hg19) VCF-style: chr5-13894840-C-CT.
Other names: short protein forms A784fs.
Identifiers: ClinVar variation 2089584 (VCV002089584.4), dbSNP rs2547068751, ClinGen allele CA2580072209.
Genomic context (GRCh38, chr5:13,894,731, plus strand): 5'-CTAAATAAGCCTCAATATTCAGTGATGTCCAGGTCAGTGCAGCCAAGCCAGGTTGGAGAG[C>CT]TTCATCCACTTTGGCCAAGTGAGGGACAATCAATTGCTCAATGGCAGCAGGTATTTTTGA-3'

ClinVar aggregate classification (germline): Pathogenic (1 of 4 stars; one submission).

Conditions:
Primary ciliary dyskinesia. Also called: Ciliary dyskinesia. Identifiers: Orphanet 244, MedGen C0008780, MONDO:0016575, HP:0012265.

Submission:

Labcorp Genetics (formerly Invitae), Labcorp
Classification: Pathogenic for Primary ciliary dyskinesia. Last evaluated: 2022-01-26. Review status: criteria provided, single submitter. Criteria: Invitae Variant Classification Sherloc (09022015). Collection method: clinical testing. Allele origin: germline.
Comment: For these reasons, this variant has been classified as Pathogenic. This sequence change creates a premature translational stop signal (p.Ala784Serfs*17) in the DNAH5 gene. It is expected to result in an absent or disrupted protein product. Loss-of-function variants in DNAH5 are known to be pathogenic (PMID: 11788826, 16627867). This variant is not present in population databases (gnomAD no frequency). This variant has not been reported in the literature in individuals affected with DNAH5-related conditions.

Literature cited by the submitters: PubMed 11788826; PubMed 16627867.